The following is an entry in ClinVar:

ClinVar aggregate classification (germline): Uncertain significance. Review status: criteria provided, multiple submitters, no conflicts (2 of 4 stars). 3 submissions from 3 submitters: Uncertain significance (3). Last evaluated 2025-04-24.

Conditions:
CFAP418-related disorder. Also called: CFAP418-related condition.

Allele frequency attached by ClinVar (database versions not stated): gnomAD exomes 0.00003.
gnomAD v4.1: 42 of 1,614,214 alleles (0.0026%); highest among the groups gnomAD compares: Non-Finnish European, 0.0036%; no homozygotes.

Submissions (3):

PreventionGenetics, part of Exact Sciences
Classification: Uncertain significance for CFAP418-related condition. Last evaluated: 2025-04-24. Review status: criteria provided, single submitter. Criteria: ACMG Guidelines, 2015. Collection method: clinical testing. Allele origin: germline.
Comment: The CFAP418 c.50G>A variant is predicted to result in the amino acid substitution p.Cys17Tyr. To our knowledge, this variant has not been reported in the literature. This variant is reported in 0.00088% of alleles in individuals of European (Non-Finnish) descent in gnomAD. At this time, the clinical significance of this variant is uncertain due to the absence of conclusive functional and genetic evidence.

Labcorp Genetics (formerly Invitae), Labcorp
Classification: Uncertain significance. Last evaluated: 2022-07-28. Review status: criteria provided, single submitter. Criteria: Invitae Variant Classification Sherloc (09022015). Collection method: clinical testing. Allele origin: germline.
Comment: This sequence change replaces cysteine, which is neutral and slightly polar, with tyrosine, which is neutral and polar, at codon 17 of the C8orf37 protein (p.Cys17Tyr). This variant is present in population databases (no rsID available, gnomAD 0.0009%). This variant has not been reported in the literature in individuals affected with C8orf37-related conditions. Algorithms developed to predict the effect of missense changes on protein structure and function are either unavailable or do not agree on the potential impact of this missense change (SIFT: "Deleterious"; PolyPhen-2: "Possibly Damaging"; Align-GVGD: "Class C0"). In summary, the available evidence is currently insufficient to determine the role of this variant in disease. Therefore, it has been classified as a Variant of Uncertain Significance.

Blueprint Genetics
Classification: Uncertain significance. Last evaluated: 2021-03-23. Review status: criteria provided, single submitter. Criteria: ACMG Guidelines, 2015. Collection method: clinical testing. Allele origin: germline.

NM_177965.4(CFAP418):c.50G>A (p.Cys17Tyr)

Genes: CFAP418 (cilia and flagella associated protein 418; minus strand), CFAP418-AS1 (CFAP418 antisense RNA 1; plus strand), LOC130000784 (ATAC-STARR-seq lymphoblastoid active region 27655; plus strand). Cytogenetic location: 8q22.1.
Variant type: single nucleotide variant.
Coding change: c.50G>A on transcript NM_177965.4 (MANE Select); coding-DNA position 50, G replaced by A.
Protein change: p.Cys17Tyr; replaces cysteine 17 with tyrosine.
Molecular consequence: missense variant.
Genome position (GRCh38, 1-based): chr8:95,269,140, C>T on the plus strand (G>A on the coding strand, the complement: CFAP418 is on the minus strand). VCF-style: chr8-95269140-C-T. GRCh37 (hg19) VCF-style: chr8-96281368-C-T.
Other names: c.50G>A (NM_177965.3); c.50G>A, p.Cys17Tyr (NM_001363260.1); short protein forms C17Y.
Identifiers: ClinVar variation 1932495 (VCV001932495.7), dbSNP rs1490576673, ClinGen allele CA371837941.
Genomic context (GRCh38, chr8:95,269,140, plus strand): 5'-GTGCCGCCGCCGCAGCCTTTGGGCTGCTCGACCATACCCCGTCTTAGAAGGTCAGGTGTG[C>T]AAAACTTGGACTCGACTTCATCCAAGAGCTCGTCCAGGTCCTCCGCCATCTTGAATCGCC-3'
Protein context (NP_808880.1, residues 7-27): ELLDEVESKF[Cys17Tyr]TPDLLRRGMV